The following is an entry in ClinVar:

NM_022132.5(MCCC2):c.90G>T (p.Ser30=)

Gene: MCCC2 (methylcrotonyl-CoA carboxylase subunit 2; plus strand). Cytogenetic location: 5q13.2.
Variant type: single nucleotide variant.
Coding change: c.90G>T on transcript NM_022132.5 (MANE Select); coding-DNA position 90, G replaced by T.
Protein change: p.Ser30=; no amino-acid change (serine 30 retained).
Molecular consequence: synonymous variant.
Genome position (GRCh38, 1-based): chr5:71,587,515, G>T. VCF-style: chr5-71587515-G-T. GRCh37 (hg19) VCF-style: chr5-70883342-G-T.
Other names: c.90G>T, p.Ser30= (NM_001363147.1).
Identifiers: ClinVar variation 703562 (VCV000703562.26), dbSNP rs559384926, ClinGen allele CA3297659.

ClinVar aggregate classification (germline): Benign/Likely benign. Review status: criteria provided, multiple submitters, no conflicts (2 of 4 stars). 4 submissions from 4 submitters: Benign (1); Likely benign (2). 1 of the submissions does not count toward it. Last evaluated 2026-01-17.

Conditions:
3-methylcrotonyl-CoA carboxylase 2 deficiency. Also called: 3 alpha methylcrotonyl-CoA carboxylase 2 deficiency; 3 alpha methylcrotonylglycinuria 2; MCC 2 deficiency; Methylcrotonylglycinuria type 2; METHYLCROTONYLGLYCINURIA, TYPE II. Identifiers: Orphanet 6, MedGen C1859499, MONDO:0008862, OMIM 210210.

Allele frequency attached by ClinVar (database versions not stated): TOPMed 0.00002; gnomAD exomes 0.00041; 1000 Genomes Project 0.00060; 1000 Genomes Project 30x 0.00062; ExAC 0.00128.
gnomAD v4.1: 244 of 1,538,188 alleles (0.016%); highest among the groups gnomAD compares: South Asian, 0.26%; 2 homozygotes.

Submissions (4):

Labcorp Genetics (formerly Invitae), Labcorp
Classification: Benign for 3-methylcrotonyl-CoA carboxylase 2 deficiency. Last evaluated: 2026-01-17. Review status: criteria provided, single submitter. Criteria: Invitae Variant Classification Sherloc (09022015). Collection method: clinical testing. Allele origin: germline.

CeGaT Center for Human Genetics Tuebingen
Classification: Likely benign. Last evaluated: 2025-03-01. Review status: criteria provided, single submitter. Criteria: CeGaT Center For Human Genetics Tuebingen Variant Classification Criteria Version 2. Collection method: clinical testing. Allele origin: germline. Affected: yes. Observed: 2 variant alleles.
Comment: MCCC2: BP4, BP7

Blueprint Genetics
Classification: Likely benign. Last evaluated: 2022-05-03. Review status: criteria provided, single submitter. Criteria: ACMG Guidelines, 2015. Collection method: clinical testing. Allele origin: germline.

Natera, Inc.
Classification: Uncertain significance for 3-methylcrotonyl-CoA carboxylase 2 deficiency. Last evaluated: 2020-01-24. Review status: no assertion criteria provided. Collection method: clinical testing. Allele origin: germline. Not counted in ClinVar's aggregate classification.